The following is an entry in ClinVar:

ClinVar aggregate classification (germline): Pathogenic/Likely pathogenic. Review status: criteria provided, multiple submitters, no conflicts (2 of 4 stars). 2 submissions from 2 submitters: Pathogenic (1); Likely pathogenic (1). Last evaluated 2025-02-20.

Conditions:
Cohen syndrome (COH1). Also called: PEPPER SYNDROME; Cutis verticis gyrata, retinitis pigmentosa, and sensorineural deafness. Identifiers: Orphanet 193, MedGen C0265223, MONDO:0008999, OMIM 216550.

Allele frequency attached by ClinVar (database versions not stated): gnomAD exomes below 0.00001 and 0.00001; TOPMed 0.00001; gnomAD 0.00002; ExAC 0.00002.

Submissions (2):

Dasa
Classification: Likely pathogenic. Last evaluated: 2025-02-20. Review status: criteria provided, single submitter. Criteria: DASA Assertion Criteria. Collection method: clinical testing. Allele origin: germline.
Comment: NM_152564.5(VPS13B):c.1079del (p.Asp360Alafs*24) is a frameshift variant in VPS13B predicted to alter the reading frame and introduce a premature termination codon and is predicted to result in an absent or altered protein product. Loss of function is an established disease mechanism for VPS13B-associated disorders. Also, this variant is rare in population databases. Based on the currently available evidence, this variant is classified as likely pathogenic.

Mendelics
Classification: Pathogenic for Cohen syndrome. Last evaluated: 2019-05-28. Review status: criteria provided, single submitter. Criteria: Mendelics Assertion Criteria 2017. Collection method: clinical testing. Allele origin: unknown.

NM_152564.5(VPS13B):c.1079del (p.Asp360fs)

Gene: VPS13B (vacuolar protein sorting 13 homolog B; plus strand). Cytogenetic location: 8q22.2.
Variant type: Deletion.
Coding change: c.1079del on transcript NM_152564.5 (MANE Select); coding-DNA position 1079, one base deleted (A; older notation c.1079delA).
Protein change: p.Asp360fs; shifts the reading frame from aspartic acid 360.
Molecular consequence: frameshift variant. On other transcripts: non-coding transcript variant (1).
Genome position (GRCh38, 1-based): chr8:99,121,318, A deleted. VCF-style (leftmost placement, unchanged base first): chr8-99121317-GA-G. GRCh37 (hg19) VCF-style: chr8-100133545-GA-G.
Other names: c.1079del, p.Asp360fs (NM_015243.3, NM_017890.5, NM_181661.3); short protein forms D360fs.
Identifiers: ClinVar variation 802427 (VCV000802427.3), dbSNP rs767518464, ClinGen allele CA4822537.